The following is an entry in ClinVar:

NM_007294.4(BRCA1):c.252_254del (p.Glu85del)

Gene: BRCA1 (BRCA1 DNA repair associated; minus strand). Cytogenetic location: 17q21.31.
Variant type: Deletion.
Coding change: c.252_254del on transcript NM_007294.4 (MANE Select); coding-DNA positions 252 to 254, 3 bases deleted (AGA; older notation c.252_254delAGA).
Protein change: p.Glu85del; deletes glutamic acid 85.
Molecular consequence: inframe deletion. On other transcripts: inframe indel (356), non-coding transcript variant (1).
Genome position (GRCh38, 1-based): chr17:43,104,915-43,104,917, TCT deleted on the plus strand (AGA on the coding strand, the reverse complement: BRCA1 is on the minus strand); deleting any 3 consecutive bases within chr17:43,104,915-43,104,919 gives the same sequence; the c. name uses the placement nearest the transcript's 3' end. VCF-style (leftmost placement, unchanged base first): chr17-43104914-CTCT-C. GRCh37 (hg19) VCF-style: chr17-41256931-CTCT-C.
Other names: c.109_111delGAA, p.Glu38del (NM_001407734.1, NM_001407735.1, NM_001407736.1 and 98 more transcripts); c.40_42delGAA, p.Glu15del (NM_001407853.1, NM_001407879.1, NM_001407881.1 and 58 more transcripts); c.250_252delGAA, p.Glu85del (NM_001407854.1, NM_001407858.1, NM_001407859.1 and 166 more transcripts); c.172_174delGAA, p.Glu59del (NM_001407862.1, NM_001407874.1, NM_001407875.1 and 21 more transcripts); c.-132_-130delGAA (NM_001407959.1, NM_001407960.1, NM_001407962.1 and 4 more transcripts); c.118_120delGAA, p.Glu41del (NM_001408451.1); c.111_113del, p.Glu38del (NM_007297.4); c.252_254del, p.Glu85del (NM_007299.4, NM_007300.4); short protein forms E85del, E38del, E15del, E41del, E59del.
Identifiers: ClinVar variation 425132 (VCV000425132.51), dbSNP rs1064797221, ClinGen allele CA16621707.
Genomic context (GRCh38, chr17:43,104,914, plus strand): 5'-TATTCAACACTTACACTCCAAACCTGTGTCAAGCTGAAAAGCACAAATGATTTTCAATAG[CTCT>C]TCAACAAGTTGACTAAATCTCGTACTTTCTTGTAGGCTCCTGAAATTAAATTGTTTGAGA-3'

ClinVar aggregate classification (germline): Uncertain significance. Review status: criteria provided, multiple submitters, no conflicts (2 of 4 stars). 2 submissions from 2 submitters: Uncertain significance (2). Last evaluated 2025-09-03.

Conditions:
Hereditary breast ovarian cancer syndrome. Also called: Hereditary breast and ovarian cancer syndrome; BRCA1- and BRCA2-Associated Hereditary Breast and Ovarian Cancer; Hereditary breast and/or ovarian cancer syndrome; Hereditary breast and ovarian cancer syndrome (HBOC); Breast and ovarian cancer; Hereditary breast and ovarian cancer. Identifiers: Orphanet 145, MedGen C0677776, MeSH D061325, MONDO:0003582. Disease mechanism: loss of function.

Submissions (2):

Labcorp Genetics (formerly Invitae), Labcorp
Classification: Uncertain significance for Hereditary breast ovarian cancer syndrome. Last evaluated: 2025-09-03. Review status: criteria provided, single submitter. Criteria: Invitae Variant Classification Sherloc (09022015). Collection method: clinical testing. Allele origin: germline.
Comment: This variant, c.252_254del, results in the deletion of 1 amino acid(s) of the BRCA1 protein (p.Glu85del), but otherwise preserves the integrity of the reading frame. This variant is not present in population databases (gnomAD no frequency). This variant has been observed in individual(s) with breast cancer (PMID: 14973102). ClinVar contains an entry for this variant (Variation ID: 425132). Experimental studies and prediction algorithms are not available or were not evaluated, and the functional significance of this variant is currently unknown. Algorithms developed to predict the effect of sequence changes on RNA splicing suggest that this variant may disrupt the consensus splice site. In summary, the available evidence is currently insufficient to determine the role of this variant in disease. Therefore, it has been classified as a Variant of Uncertain Significance.

CeGaT Center for Human Genetics Tuebingen
Classification: Uncertain significance. Last evaluated: 2016-06-01. Review status: criteria provided, single submitter. Criteria: CeGaT Center For Human Genetics Tuebingen Variant Classification Criteria Version 2. Collection method: clinical testing. Allele origin: germline. Affected: yes. Observed: 1 variant allele.

Literature cited by the submitters: PubMed 14973102 (cited by Labcorp Genetics (formerly Invitae), Labcorp).